The following is an entry in ClinVar:

NM_002474.3(MYH11):c.3293+290G>T

Gene: MYH11 (myosin heavy chain 11; minus strand). Cytogenetic location: 16p13.11.
Variant type: single nucleotide variant.
Coding change: c.3293+290G>T on transcript NM_002474.3 (MANE Select); 290 bases into the intron after coding-DNA position 3293, G replaced by T.
Molecular consequence: intron variant.
Genome position (GRCh38, 1-based): chr16:15,737,159, C>A on the plus strand (G>T on the coding strand, the complement: MYH11 is on the minus strand). VCF-style: chr16-15737159-C-A. GRCh37 (hg19) VCF-style: chr16-15831016-C-A.
Other names: c.3293+290G>T (NM_022844.3); c.3314+290G>T (NM_001040114.2, NM_001040113.2).
Identifiers: ClinVar variation 681322 (VCV000681322.1), dbSNP rs11864923, ClinGen allele CA278622849.
Genomic context (GRCh38, chr16:15,737,159, plus strand): 5'-GGGTGTTTGAGATGACGGTGGAAATTGACTCATTGGGCAATCGGAAATTCAGAAGGGGGT[C>A]TAGATGAGAAAAGCCTGGATGTCGAAGAGGCAGCAGCAACACCATGGGAGTAGGTGAGAT-3'

ClinVar aggregate classification (germline): Benign (1 of 4 stars; one submission).

Allele frequency attached by ClinVar (database versions not stated): gnomAD 0.01862; TOPMed 0.02275; 1000 Genomes Project 0.02616; 1000 Genomes Project 30x 0.02733.
gnomAD v4.1: 3,089 of 152,104 alleles (2%); highest among the groups gnomAD compares: African/African-American, 5.8%; 77 homozygotes.

Submission:

GeneDx
Classification: Benign. Last evaluated: 2018-06-14. Review status: criteria provided, single submitter. Criteria: GeneDx Variant Classification (06012015). Collection method: clinical testing. Allele origin: germline. Affected: yes.
Comment: This variant is considered likely benign or benign based on one or more of the following criteria: it is a conservative change, it occurs at a poorly conserved position in the protein, it is predicted to be benign by multiple in silico algorithms, and/or has population frequency not consistent with disease.